The following is an entry in ClinVar:

ClinVar aggregate classification (germline): Pathogenic (1 of 4 stars; one submission).

Conditions:
Hereditary breast ovarian cancer syndrome. Also called: Hereditary breast and/or ovarian cancer syndrome; Hereditary breast and ovarian cancer syndrome (HBOC); Breast and ovarian cancer; Hereditary breast and ovarian cancer; BRCA1- and BRCA2-Associated Hereditary Breast and Ovarian Cancer; Hereditary breast and ovarian cancer syndrome. Identifiers: Orphanet 145, MedGen C0677776, MeSH D061325, MONDO:0003582. Disease mechanism: loss of function.

Submission:

Labcorp Genetics (formerly Invitae), Labcorp
Classification: Pathogenic for Hereditary breast ovarian cancer syndrome. Last evaluated: 2022-06-23. Review status: criteria provided, single submitter. Criteria: Invitae Variant Classification Sherloc (09022015). Collection method: clinical testing. Allele origin: germline.
Comment: This variant has not been reported in the literature in individuals affected with BRCA2-related conditions. For these reasons, this variant has been classified as Pathogenic. This variant is a gross deletion of the genomic region encompassing exon(s) 1-25 of the BRCA2 gene, which includes the initiator codon. This deletion extends beyond the assayed region for this gene and therefore may encompass additional genes. It is expected to result in an absent or disrupted protein product. Loss-of-function variants in BRCA2 are known to be pathogenic (PMID: 20104584).

Literature cited by the submitters: PubMed 20104584.

NC_000013.11:g.(?_32315480)_(32394953_?)del

Gene: BRCA2 (BRCA2 DNA repair associated; plus strand). Cytogenetic location: 13q13.1.
Variant type: Deletion.
Identifiers: ClinVar variation 832241 (VCV000832241.8).